The following is an entry in ClinVar:

ClinVar aggregate classification (germline): Pathogenic (1 of 4 stars; one submission).

Conditions:
Primary ciliary dyskinesia. Also called: Ciliary dyskinesia. Identifiers: Orphanet 244, MedGen C0008780, MONDO:0016575, HP:0012265.

gnomAD v4.1: 1 of 1,613,820 alleles (0.000062%); highest among the groups gnomAD compares: South Asian, 0.0011%; no homozygotes.

Submission:

Labcorp Genetics (formerly Invitae), Labcorp
Classification: Pathogenic for Primary ciliary dyskinesia. Last evaluated: 2025-12-22. Review status: criteria provided, single submitter. Criteria: Invitae Variant Classification Sherloc (09022015). Collection method: clinical testing. Allele origin: germline.
Comment: This sequence change creates a premature translational stop signal (p.Gln4065*) in the DNAH11 gene. It is expected to result in an absent or disrupted protein product. Loss-of-function variants in DNAH11 are known to be pathogenic (PMID: 18022865, 20513915, 22184204). This variant is not present in population databases (gnomAD no frequency). This variant has not been reported in the literature in individuals affected with DNAH11-related conditions. For these reasons, this variant has been classified as Pathogenic.

Literature cited by the submitters: PubMed 18022865; PubMed 20513915; PubMed 22184204.

NM_001277115.2(DNAH11):c.12193C>T (p.Gln4065Ter)

Gene: DNAH11 (dynein axonemal heavy chain 11; plus strand). Cytogenetic location: 7p15.3.
Variant type: single nucleotide variant.
Coding change: c.12193C>T on transcript NM_001277115.2 (MANE Select); coding-DNA position 12193, C replaced by T.
Protein change: p.Gln4065Ter; replaces glutamine 4065 with a stop codon.
Molecular consequence: nonsense.
Genome position (GRCh38, 1-based): chr7:21,873,499, C>T. VCF-style: chr7-21873499-C-T. GRCh37 (hg19) VCF-style: chr7-21913117-C-T.
Other names: short protein forms Q4065*.
Identifiers: ClinVar variation 4704285 (VCV004704285.1).
Genomic context (GRCh38, chr7:21,873,499, plus strand): 5'-ACTAATGAACCCCCAACAGGGATGCTGGCCAATTTGCATGCCGCCCTGTACAACTTTGAT[C>T]AGGTAAGAAAGCGAAGCAGGCTAGGCAGACAATGAAGTCAGAGTCATCTCACAAGACTGT-3'